The following is an entry in ClinVar:

ClinVar aggregate classification (germline): Benign (3 of 4 stars; one submission).

Conditions:
Breast-ovarian cancer, familial, susceptibility to, 2 (BROVCA2). Also called: BRCA2 Hereditary Breast and Ovarian Cancer. Identifiers: Orphanet 145, MedGen C2675520, MONDO:0012933, OMIM 612555. Disease mechanism: loss of function.

Allele frequency attached by ClinVar (database versions not stated): gnomAD 0.00381 and 0.00402; TOPMed 0.00390; 1000 Genomes Project 30x 0.00718; 1000 Genomes Project 0.00759.
gnomAD v4.1: 575 of 152,262 alleles (0.38%); highest among the groups gnomAD compares: African/African-American, 1.3%; 4 homozygotes.

Submission:

Evidence-based Network for the Interpretation of Germline Mutant Alleles (ENIGMA)
Classification: Benign for Breast-ovarian cancer, familial 2. Last evaluated: 2015-01-12. Review status: reviewed by expert panel. Criteria: ENIGMA BRCA1/2 Classification Criteria (2015). Collection method: curation. Allele origin: germline.
Comment: Class 1 not pathogenic based on frequency >1% in an outbred sampleset. Frequency 0.01423 (African), derived from 1000 genomes (2012-04-30).

NM_000059.4(BRCA2):c.9256+3032G>A

Gene: BRCA2 (BRCA2 DNA repair associated; plus strand). Cytogenetic location: 13q13.1.
Variant type: single nucleotide variant.
Coding change: c.9256+3032G>A on transcript NM_000059.4 (MANE Select); 3032 bases into the intron after coding-DNA position 9256, G replaced by A.
Molecular consequence: intron variant.
Genome position (GRCh38, 1-based): chr13:32,383,177, G>A. VCF-style: chr13-32383177-G-A. GRCh37 (hg19) VCF-style: chr13-32957314-G-A.
Other names: IVS 24+3032G>A.
Identifiers: ClinVar variation 209859 (VCV000209859.1), dbSNP rs150042254, ClinGen allele CA276827.